The following is an entry in ClinVar:

NM_145239.3(PRRT2):c.173del (p.Pro58fs)

Genes: MVP-DT (MVP divergent transcript; minus strand), PRRT2 (proline rich transmembrane protein 2; plus strand). Cytogenetic location: 16p11.2.
Variant type: Deletion.
Coding change: c.173del on transcript NM_145239.3 (MANE Select); coding-DNA position 173, one base deleted (C; older notation c.173delC).
Protein change: p.Pro58fs; shifts the reading frame from proline 58.
Molecular consequence: frameshift variant.
Genome position (GRCh38, 1-based): chr16:29,813,227, C deleted; the last of 4 consecutive C bases (chr16:29,813,224-29,813,227); deleting any one gives the same sequence. VCF-style (leftmost placement, unchanged base first): chr16-29813223-GC-G. GRCh37 (hg19) VCF-style: chr16-29824544-GC-G.
Other names: c.173del, p.Pro58fs (NM_001256442.2, NM_001256443.2); short protein forms P58fs.
Identifiers: ClinVar variation 206695 (VCV000206695.1), dbSNP rs796052940, ClinGen allele CA317044.
Genomic context (GRCh38, chr16:29,813,223, plus strand): 5'-GTCCTAGCAGGGGTACCAGACCAGCCAGAGGCCCCGCAGCCAGGTCCAAACACCACTGCG[GC>G]CCCTGTGGACTCAGGGCCCAAGGCTGGGCTGGCTCCAGAAACCACAGAGACCCCGGCTGG-3'

ClinVar aggregate classification (germline): Pathogenic (1 of 4 stars; one submission).

Submission:

GeneDx
Classification: Pathogenic. Last evaluated: 2014-02-12. Review status: criteria provided, single submitter. Criteria: GeneDx Variant Classification (06012015). Collection method: clinical testing. Allele origin: germline. Affected: yes.
Comment: c.173delC: p.Pro58LeufsX32 (P58LfsX32) in the PRRT2 gene (NM_145239.2) The c.173delC mutation in the PRRT2 gene causes a frameshift starting with codon Proline 58, changes this amino acid to a Leucine residue and creates a premature Stop codon at position 32 of the new reading frame, denoted p.Pro58LeufsX32. This mutation is predicted to cause loss of normal protein function either through protein truncation or nonsense-mediated mRNA decay. This mutation has not been previously reported to our knowledge.The variant is found in PRRT2 panel(s).